The following is an entry in ClinVar:

NM_021224.6(ZNF462):c.812A>G (p.Lys271Arg)

Gene: ZNF462 (zinc finger protein 462; plus strand). Cytogenetic location: 9q31.2.
Variant type: single nucleotide variant.
Coding change: c.812A>G on transcript NM_021224.6 (MANE Select); coding-DNA position 812, A replaced by G.
Protein change: p.Lys271Arg; replaces lysine 271 with arginine.
Molecular consequence: missense variant.
Genome position (GRCh38, 1-based): chr9:106,924,724, A>G. VCF-style: chr9-106924724-A-G. GRCh37 (hg19) VCF-style: chr9-109687005-A-G.
Other names: c.812A>G, p.Lys271Arg (NM_001347997.2); short protein forms K271R.
Identifiers: ClinVar variation 3370096 (VCV003370096.2).

ClinVar aggregate classification (germline): Uncertain significance. Review status: criteria provided, multiple submitters, no conflicts (2 of 4 stars). 2 submissions from 2 submitters: Uncertain significance (2). Last evaluated 2024-09-24.

Conditions:
Inborn genetic diseases. Identifiers: MedGen C0950123, MeSH D030342.

gnomAD v4.1: 1 of 1,614,148 alleles (0.000062%); highest among the groups gnomAD compares: Non-Finnish European, 0.000085%; no homozygotes.

Submissions (2):

Ambry Genetics
Classification: Uncertain significance for Inborn genetic diseases. Last evaluated: 2024-09-24. Review status: criteria provided, single submitter. Criteria: Ambry Variant Classification Scheme 2023. Collection method: clinical testing. Allele origin: germline.

GeneDx
Classification: Uncertain significance. Last evaluated: 2023-12-19. Review status: criteria provided, single submitter. Criteria: GeneDx Variant Classification Process June 2021. Collection method: clinical testing. Allele origin: germline. Affected: yes.
Comment: In silico analysis supports that this missense variant does not alter protein structure/function; Has not been previously published as pathogenic or benign to our knowledge